The following is an entry in ClinVar:

ClinVar aggregate classification (germline): Uncertain significance. Review status: criteria provided, multiple submitters, no conflicts (2 of 4 stars). 2 submissions from 2 submitters: Uncertain significance (2). Last evaluated 2025-01-27.

Conditions:
Inborn genetic diseases. Identifiers: MedGen C0950123, MeSH D030342.

Allele frequency attached by ClinVar (database versions not stated): gnomAD exomes below 0.00001.
gnomAD v4.1: 2 of 1,606,392 alleles (0.00012%); highest among the groups gnomAD compares: Non-Finnish European, 0.00017%; no homozygotes.

Submissions (2):

Labcorp Genetics (formerly Invitae), Labcorp
Classification: Uncertain significance. Last evaluated: 2025-01-27. Review status: criteria provided, single submitter. Criteria: Invitae Variant Classification Sherloc (09022015). Collection method: clinical testing. Allele origin: germline.
Comment: This sequence change replaces histidine, which is basic and polar, with leucine, which is neutral and non-polar, at codon 1847 of the DMXL2 protein (p.His1847Leu). This variant is not present in population databases (gnomAD no frequency). This variant has not been reported in the literature in individuals affected with DMXL2-related conditions. ClinVar contains an entry for this variant (Variation ID: 1933871). An algorithm developed to predict the effect of missense changes on protein structure and function (PolyPhen-2) suggests that this variant is likely to be tolerated. In summary, the available evidence is currently insufficient to determine the role of this variant in disease. Therefore, it has been classified as a Variant of Uncertain Significance.

Ambry Genetics
Classification: Uncertain significance for Inborn genetic diseases. Last evaluated: 2024-06-07. Review status: criteria provided, single submitter. Criteria: Ambry Variant Classification Scheme 2023. Collection method: clinical testing. Allele origin: germline.

NM_001378457.1(DMXL2):c.5540A>T (p.His1847Leu)

Gene: DMXL2 (Dmx like 2; minus strand). Cytogenetic location: 15q21.2.
Variant type: single nucleotide variant.
Coding change: c.5540A>T on transcript NM_001378457.1 (MANE Select); coding-DNA position 5540, A replaced by T.
Protein change: p.His1847Leu; replaces histidine 1847 with leucine.
Molecular consequence: missense variant. On other transcripts: non-coding transcript variant (2).
Genome position (GRCh38, 1-based): chr15:51,481,566, T>A on the plus strand (A>T on the coding strand, the complement: DMXL2 is on the minus strand). VCF-style: chr15-51481566-T-A. GRCh37 (hg19) VCF-style: chr15-51773763-T-A.
Other names: c.5540A>T (NM_001174116.1); c.5540A>T, p.His1847Leu (NM_001174116.3, NM_001378458.1, NM_001378459.1 and 4 more transcripts); c.3632A>T, p.His1211Leu (NM_001174117.3); c.3521A>T, p.His1174Leu (NM_001378460.1); c.5300A>T, p.His1767Leu (NM_001378464.1); short protein forms H1767L, H1847L, H1211L, H1174L.
Identifiers: ClinVar variation 1933871 (VCV001933871.5), dbSNP rs2042012060, ClinGen allele CA392445609.